The following is an entry in ClinVar:

ClinVar aggregate classification (germline): Uncertain significance. Review status: criteria provided, multiple submitters, no conflicts (2 of 4 stars). 4 submissions from 4 submitters: Uncertain significance (4). Last evaluated 2025-05-05.

Conditions:
Fanconi anemia (FA). Also called: Fanconi's anemia. Identifiers: Orphanet 84, MedGen C0015625, MeSH D005199, MONDO:0019391.
Inborn genetic diseases. Identifiers: MedGen C0950123, MeSH D030342.

Allele frequency attached by ClinVar (database versions not stated): ExAC 0.00001; TOPMed 0.00002; gnomAD exomes 0.00001.
gnomAD v4.1: 7 of 1,612,972 alleles (0.00043%); highest among the groups gnomAD compares: Non-Finnish European, 0.00059%; no homozygotes.

Submissions (4):

GeneDx
Classification: Uncertain significance. Last evaluated: 2025-05-05. Review status: criteria provided, single submitter. Criteria: GeneDx Variant Classification Process June 2021. Collection method: clinical testing. Allele origin: germline.
Comment: Not observed at significant frequency in large population cohorts (gnomAD); In silico analysis supports that this missense variant has a deleterious effect on protein structure/function; Has not been previously published as pathogenic or benign to our knowledge

Ambry Genetics
Classification: Uncertain significance for Inborn genetic diseases. Last evaluated: 2025-02-07. Review status: criteria provided, single submitter. Criteria: Ambry Variant Classification Scheme 2023. Collection method: clinical testing. Allele origin: germline.
Comment: The p.L589F variant (also known as c.1765C>T), located in coding exon 10 of the FANCM gene, results from a C to T substitution at nucleotide position 1765. The leucine at codon 589 is replaced by phenylalanine, an amino acid with highly similar properties. This amino acid position is conserved. In addition, this alteration is predicted to be tolerated by in silico analysis. Based on the available evidence, the clinical significance of this variant remains unclear.

Labcorp Genetics (formerly Invitae), Labcorp
Classification: Uncertain significance for Fanconi anemia. Last evaluated: 2024-03-13. Review status: criteria provided, single submitter. Criteria: Invitae Variant Classification Sherloc (09022015). Collection method: clinical testing. Allele origin: germline.
Comment: This sequence change replaces leucine, which is neutral and non-polar, with phenylalanine, which is neutral and non-polar, at codon 589 of the FANCM protein (p.Leu589Phe). This variant is present in population databases (rs764151493, gnomAD 0.002%). This variant has not been reported in the literature in individuals affected with FANCM-related conditions. ClinVar contains an entry for this variant (Variation ID: 857433). An algorithm developed to predict the effect of missense changes on protein structure and function (PolyPhen-2) suggests that this variant is likely to be disruptive. In summary, the available evidence is currently insufficient to determine the role of this variant in disease. Therefore, it has been classified as a Variant of Uncertain Significance.

Quest Diagnostics Nichols Institute San Juan Capistrano
Classification: Uncertain significance. Last evaluated: 2023-11-21. Review status: criteria provided, single submitter. Criteria: Quest Diagnostics criteria. Collection method: clinical testing. Allele origin: unknown.
Comment: The FANCM c.1765C>T (p.Leu589Phe) variant has not been reported in individuals with FANCM-related conditions in the published literature. The frequency of this variant in the general population, 0.000008 (2/250490 chromosomes (Genome Aggregation Database)), is uninformative in the assessment of its pathogenicity. Analysis of this variant using a bioinformatics tool for the prediction of the effect of amino acid changes on protein structure and function yielded a prediction that this variant is damaging. Based on the available information, we are unable to determine the clinical significance of this variant.

NM_020937.4(FANCM):c.1765C>T (p.Leu589Phe)

Gene: FANCM (FA complementation group M; plus strand). Cytogenetic location: 14q21.2.
Variant type: single nucleotide variant.
Coding change: c.1765C>T on transcript NM_020937.4 (MANE Select); coding-DNA position 1765, C replaced by T.
Protein change: p.Leu589Phe; replaces leucine 589 with phenylalanine.
Molecular consequence: missense variant.
Genome position (GRCh38, 1-based): chr14:45,164,542, C>T. VCF-style: chr14-45164542-C-T. GRCh37 (hg19) VCF-style: chr14-45633745-C-T.
Other names: c.1687C>T, p.Leu563Phe (NM_001308133.2); c.1765C>T, p.Leu589Phe (NM_001308134.2); c.1765C>T (NM_020937.3); short protein forms L563F, L589F.
Identifiers: ClinVar variation 857433 (VCV000857433.12), dbSNP rs764151493, ClinGen allele CA7169145.